The following is an entry in ClinVar:

ClinVar aggregate classification (germline): Conflicting classifications of pathogenicity. Review status: criteria provided, conflicting classifications (1 of 4 stars). 6 submissions from 6 submitters: Uncertain significance (5); Likely benign (1). Last evaluated 2025-12-18.

Conditions:
Hereditary cancer-predisposing syndrome. Also called: Neoplastic Syndromes, Hereditary; Tumor predisposition; Hereditary neoplastic syndrome; Hereditary Cancer Syndrome. Identifiers: Orphanet 140162, MedGen C0027672, MeSH D009386, MONDO:0015356.
Hereditary breast ovarian cancer syndrome. Also called: Breast and ovarian cancer; BRCA1- and BRCA2-Associated Hereditary Breast and Ovarian Cancer; Hereditary breast and ovarian cancer; Hereditary breast and/or ovarian cancer syndrome; Hereditary breast and ovarian cancer syndrome; Hereditary breast and ovarian cancer syndrome (HBOC). Identifiers: Orphanet 145, MedGen C0677776, MeSH D061325, MONDO:0003582. Disease mechanism: loss of function.
BRCA1-related cancer predisposition. Identifiers: MedGen CN377757, MONDO:0700268.

Allele frequency attached by ClinVar (database versions not stated): gnomAD exomes below 0.00001.
gnomAD v4.1: 1 of 1,614,140 alleles (0.000062%); highest among the groups gnomAD compares: Non-Finnish European, 0.000085%; no homozygotes.

Submissions (6):

Ambry Genetics
Classification: Uncertain significance for Hereditary cancer-predisposing syndrome. Last evaluated: 2025-12-18. Review status: criteria provided, single submitter. Criteria: Ambry Variant Classification Scheme 2023. Collection method: clinical testing. Allele origin: germline.
Comment: The p.V939I variant (also known as c.2815G>A), located in coding exon 9 of the BRCA1 gene, results from a G to A substitution at nucleotide position 2815. The valine at codon 939 is replaced by isoleucine, an amino acid with highly similar properties. This amino acid position is poorly conserved in available vertebrate species. In addition, this alteration is predicted to be tolerated by in silico analysis. Since supporting evidence is limited at this time, the clinical significance of this alteration remains unclear.

Labcorp Genetics (formerly Invitae), Labcorp
Classification: Uncertain significance for Hereditary breast ovarian cancer syndrome. Last evaluated: 2025-07-14. Review status: criteria provided, single submitter. Criteria: Invitae Variant Classification Sherloc (09022015). Collection method: clinical testing. Allele origin: germline.
Comment: This sequence change replaces valine, which is neutral and non-polar, with isoleucine, which is neutral and non-polar, at codon 939 of the BRCA1 protein (p.Val939Ile). This variant is not present in population databases (gnomAD no frequency). This variant has not been reported in the literature in individuals affected with BRCA1-related conditions. ClinVar contains an entry for this variant (Variation ID: 462594). Invitae Evidence Modeling of protein sequence and biophysical properties (such as structural, functional, and spatial information, amino acid conservation, physicochemical variation, residue mobility, and thermodynamic stability) indicates that this missense variant is not expected to disrupt BRCA1 protein function with a negative predictive value of 80%. In summary, the available evidence is currently insufficient to determine the role of this variant in disease. Therefore, it has been classified as a Variant of Uncertain Significance.

Color Diagnostics, LLC DBA Color Health
Classification: Uncertain significance for Hereditary cancer-predisposing syndrome. Last evaluated: 2025-07-02. Review status: criteria provided, single submitter. Criteria: ACMG Guidelines, 2015. Collection method: clinical testing. Allele origin: germline.
Comment: This missense variant replaces valine with isoleucine at codon 939 of the BRCA1 protein. Computational prediction suggests that this variant may not impact protein structure and function. To our knowledge, functional studies have not been reported for this variant. This variant has not been reported in individuals affected with BRCA1-related disorders in the literature. This variant has not been identified in the general population by the Genome Aggregation Database (gnomAD). The available evidence is insufficient to determine the role of this variant in disease conclusively. Therefore, this variant is classified as a Variant of Uncertain Significance.

Quest Diagnostics Nichols Institute San Juan Capistrano
Classification: Uncertain significance. Last evaluated: 2025-05-07. Review status: criteria provided, single submitter. Criteria: Quest Diagnostics criteria. Collection method: clinical testing. Allele origin: unknown.
Comment: The BRCA1 c.2815G>A (p.Val939Ile) variant has been reported to be located in a region of the BRCA1 gene that is tolerant to missense sequence changes (PMID: 31911673 (2020)). To the best of our knowledge, this variant has not been reported in individuals with BRCA1-related disorders in the published literature. This variant has not been reported in large, multi-ethnic general populations (Genome Aggregation Database). Analysis of this variant using bioinformatics tools for the prediction of the effect of amino acid changes on protein structure and function yielded predictions that this variant is benign. Based on the available information, we are unable to determine the clinical significance of this variant.

All of Us Research Program, National Institutes of Health
Classification: Uncertain significance for BRCA1-related cancer predisposition. Last evaluated: 2024-03-05. Review status: criteria provided, single submitter. Criteria: ACMG Guidelines, 2015. Collection method: clinical testing. Allele origin: germline. Inheritance: Autosomal dominant inheritance. Observed: 1 variant allele, 1 heterozygote.
Comment: This study involves interpretation of variants in research participants for the purpose of population health screening. Participant phenotype was not available at the time of variant classification. Additional details can be found in publication PMID: 35346344, PMCID: PMC8962531

University of Washington Department of Laboratory Medicine, University of Washington
Classification: Likely benign for Hereditary cancer-predisposing syndrome. Last evaluated: 2023-03-23. Review status: criteria provided, single submitter. Criteria: Dines et al. (Genet Med. 2020). Collection method: curation. Allele origin: germline.
Comment: Missense variant in a coldspot region where missense variants are very unlikely to be pathogenic (PMID:31911673).

BRCA1 coldspot (exon 11 using historical exon numbering). Reclassification based on statistical prior probability

Literature cited by the submitters: PubMed 31911673 (cited by Quest Diagnostics Nichols Institute San Juan Capistrano); PubMed 32377563 (cited by Quest Diagnostics Nichols Institute San Juan Capistrano).

NM_007294.4(BRCA1):c.2815G>A (p.Val939Ile)

Gene: BRCA1 (BRCA1 DNA repair associated; minus strand). Cytogenetic location: 17q21.31.
Variant type: single nucleotide variant.
Coding change: c.2815G>A on transcript NM_007294.4 (MANE Select); coding-DNA position 2815, G replaced by A.
Protein change: p.Val939Ile; replaces valine 939 with isoleucine.
Molecular consequence: missense variant. On other transcripts: intron variant (137).
Genome position (GRCh38, 1-based): chr17:43,092,716, C>T on the plus strand (G>A on the coding strand, the complement: BRCA1 is on the minus strand). VCF-style: chr17-43092716-C-T. GRCh37 (hg19) VCF-style: chr17-41244733-C-T.
Other names: c.2602G>A, p.Val868Ile (NM_001407571.1, NM_001407898.1, NM_001407899.1 and 9 more transcripts); c.2815G>A, p.Val939Ile (NM_001407581.1, NM_001407582.1, NM_001407583.1 and 30 more transcripts); c.2812G>A, p.Val938Ile (NM_001407587.1, NM_001407590.1, NM_001407591.1 and 22 more transcripts); c.2806G>A, p.Val936Ile (NM_001407646.1, NM_001407647.1); c.2734G>A, p.Val912Ile (NM_001407659.1, NM_001407660.1, NM_001407661.1 and 1 more transcripts); c.2737G>A, p.Val913Ile (NM_001407663.1, NM_001407653.1, NM_001407654.1 and 4 more transcripts); c.2692G>A, p.Val898Ile (NM_001407664.1, NM_001407665.1, NM_001407666.1 and 19 more transcripts); c.2689G>A, p.Val897Ile (NM_001407649.1, NM_001407670.1, NM_001407671.1 and 11 more transcripts); and 41 more; short protein forms V939I, V892I, V643I, V869I, V897I, V898I, V938I, V827I.
Identifiers: ClinVar variation 462594 (VCV000462594.20), dbSNP rs1555588896, ClinGen allele CA10596363.